The following is an entry in ClinVar:

ClinVar aggregate classification (germline): Likely benign. Review status: criteria provided, single submitter (1 of 4 stars). 2 submissions from 2 submitters: Likely benign (1). 1 of the submissions does not count toward it. Last evaluated 2018-04-16.

Conditions:
KDM6B-related disorder. Also called: KDM6B-related condition.

Allele frequency attached by ClinVar (database versions not stated): ExAC 0.00249.

Submissions (2):

Labcorp Genetics (formerly Invitae), Labcorp
Classification: Likely benign. Last evaluated: 2018-04-16. Review status: criteria provided, single submitter. Criteria: Invitae Variant Classification Sherloc (09022015). Collection method: clinical testing. Allele origin: germline.

PreventionGenetics, part of Exact Sciences
Classification: Likely benign for KDM6B-related condition. Last evaluated: 2019-08-06. Review status: no assertion criteria provided. Collection method: clinical testing. Allele origin: germline. Not counted in ClinVar's aggregate classification.
Comment: This variant is classified as likely benign based on ACMG/AMP sequence variant interpretation guidelines (Richards et al. 2015 PMID: 25741868, with internal and published modifications).

NM_001348716.2(KDM6B):c.1407T>C (p.Pro469=)

Gene: KDM6B (lysine demethylase 6B; plus strand). Cytogenetic location: 17p13.1.
Variant type: single nucleotide variant.
Coding change: c.1407T>C on transcript NM_001348716.2 (MANE Select); coding-DNA position 1407, T replaced by C.
Protein change: p.Pro469=; no amino-acid change (proline 469 retained).
Molecular consequence: synonymous variant.
Genome position (GRCh38, 1-based): chr17:7,847,695, T>C. VCF-style: chr17-7847695-T-C. GRCh37 (hg19) VCF-style: chr17-7751013-T-C.
Other names: c.1407T>C, p.Pro469= (NM_001080424.2).
Identifiers: ClinVar variation 773063 (VCV000773063.5), dbSNP rs746792765, ClinGen allele CA8360638.
Genomic context (GRCh38, chr17:7,847,695, plus strand): 5'-CTTGGGGGCTCCCGCTGCCACTCCCCACCTATCCCTGCCACCTGGACCTTCCTCACCCCC[T>C]CCACCCCCCTGTCCCCGCCTCTTACGCCCCCCACCACCCCCTGCCTGGTTGAAGGGTCCG-3'
Protein context (NP_001335645.1, residues 459-479): LSLPPGPSSP[Pro469=]PPPCPRLLRP